The following is an entry in ClinVar:

ClinVar aggregate classification (germline): Uncertain significance (1 of 4 stars; one submission).

Conditions:
Ataxia-telangiectasia syndrome (AT). Also called: Ataxia-telangiectasia, complementation group D; AT, COMPLEMENTATION GROUP C; ATAXIA-TELANGIECTASIA, COMPLEMENTATION GROUP A; ATAXIA-TELANGIECTASIA, FRESNO VARIANT; Ataxia-telangiectasia, complementation group E; LOUIS-BAR SYNDROME. Identifiers: Orphanet 100, MedGen C0004135, MONDO:0008840, OMIM 208900.

Submission:

Labcorp Genetics (formerly Invitae), Labcorp
Classification: Uncertain significance for Ataxia-telangiectasia syndrome. Last evaluated: 2023-04-06. Review status: criteria provided, single submitter. Criteria: Invitae Variant Classification Sherloc (09022015). Collection method: clinical testing. Allele origin: germline.
Comment: In summary, the available evidence is currently insufficient to determine the role of this variant in disease. Therefore, it has been classified as a Variant of Uncertain Significance. An algorithm developed to predict the effect of missense changes on protein structure and function (PolyPhen-2) suggests that this variant is likely to be disruptive. ClinVar contains an entry for this variant (Variation ID: 2024603). This variant has not been reported in the literature in individuals affected with ATM-related conditions. This variant is not present in population databases (gnomAD no frequency). This sequence change replaces cysteine, which is neutral and slightly polar, with serine, which is neutral and polar, at codon 2473 of the ATM protein (p.Cys2473Ser).

NM_000051.4(ATM):c.7418G>C (p.Cys2473Ser)

Genes: ATM (ATM serine/threonine kinase; plus strand), C11orf65 (chromosome 11 open reading frame 65; minus strand). Cytogenetic location: 11q22.3.
Variant type: single nucleotide variant.
Coding change: c.7418G>C on transcript NM_000051.4 (MANE Select); coding-DNA position 7418, G replaced by C.
Protein change: p.Cys2473Ser; replaces cysteine 2473 with serine.
Molecular consequence: missense variant. On other transcripts: intron variant (2).
Genome position (GRCh38, 1-based): chr11:108,330,324, G>C. VCF-style: chr11-108330324-G-C. GRCh37 (hg19) VCF-style: chr11-108201051-G-C.
Other names: c.7418G>C, p.Cys2473Ser (NM_001351834.2); c.641-21253C>G (NM_001330368.2); c.*38+4896C>G (NM_001351110.2); short protein forms C2473S.
Identifiers: ClinVar variation 2024603 (VCV002024603.4), dbSNP rs2136458796, ClinGen allele CA382560190.